The following is an entry in ClinVar:

ClinVar aggregate classification (germline): Uncertain significance (1 of 4 stars; one submission).

Conditions:
Inborn genetic diseases. Identifiers: MedGen C0950123, MeSH D030342.

gnomAD v4.1: 1 of 1,614,074 alleles (0.000062%); highest among the groups gnomAD compares: South Asian, 0.0011%; no homozygotes.

Submission:

Ambry Genetics
Classification: Uncertain significance for Inborn genetic diseases. Last evaluated: 2025-08-22. Review status: criteria provided, single submitter. Criteria: Ambry Variant Classification Scheme 2023. Collection method: clinical testing. Allele origin: germline.
Comment: The p.S352G variant (also known as c.1054A>G), located in coding exon 8 of the FANCG gene, results from an A to G substitution at nucleotide position 1054. The serine at codon 352 is replaced by glycine, an amino acid with similar properties. This amino acid position is conserved. In addition, this alteration is predicted to be tolerated by in silico analysis. Based on the available evidence, the clinical significance of this variant remains unclear.

NM_004629.2(FANCG):c.1054A>G (p.Ser352Gly)

Gene: FANCG (FA complementation group G; minus strand). Cytogenetic location: 9p13.3.
Variant type: single nucleotide variant.
Coding change: c.1054A>G on transcript NM_004629.2 (MANE Select); coding-DNA position 1054, A replaced by G.
Protein change: p.Ser352Gly; replaces serine 352 with glycine.
Molecular consequence: missense variant.
Genome position (GRCh38, 1-based): chr9:35,076,454, T>C on the plus strand (A>G on the coding strand, the complement: FANCG is on the minus strand). VCF-style: chr9-35076454-T-C. GRCh37 (hg19) VCF-style: chr9-35076451-T-C.
Other names: short protein forms S352G.
Identifiers: ClinVar variation 4254480 (VCV004254480.1).